The following is an entry in ClinVar:

NM_004766.3(COPB2):c.2505C>G (p.Val835=)

Gene: COPB2 (coat protein complex I subunit beta 2; minus strand). Cytogenetic location: 3q23.
Variant type: single nucleotide variant.
Coding change: c.2505C>G on transcript NM_004766.3 (MANE Select); coding-DNA position 2505, C replaced by G.
Protein change: p.Val835=; no amino-acid change (valine 835 retained).
Molecular consequence: synonymous variant. On other transcripts: non-coding transcript variant (1).
Genome position (GRCh38, 1-based): chr3:139,358,792, G>C on the plus strand (C>G on the coding strand, the complement: COPB2 is on the minus strand). VCF-style: chr3-139358792-G-C. GRCh37 (hg19) VCF-style: chr3-139077634-G-C.
Other names: c.2418C>G, p.Val806= (NM_001410834.1).
Identifiers: ClinVar variation 3389666 (VCV003389666.14).

ClinVar aggregate classification (germline): Likely benign (1 of 4 stars; one submission).

gnomAD v4.1: 3 of 1,612,600 alleles (0.00019%); highest among the groups gnomAD compares: Non-Finnish European, 0.00025%; no homozygotes.

Submission:

CeGaT Center for Human Genetics Tuebingen
Classification: Likely benign. Last evaluated: 2024-09-01. Review status: criteria provided, single submitter. Criteria: CeGaT Center For Human Genetics Tuebingen Variant Classification Criteria Version 2. Collection method: clinical testing. Allele origin: germline. Affected: yes. Observed: 1 variant allele.
Comment: COPB2: BP4, BP7